The following is an entry in ClinVar:

NM_003737.4(DCHS1):c.3955G>A (p.Glu1319Lys)

Gene: DCHS1 (dachsous cadherin-related 1; minus strand). Cytogenetic location: 11p15.4.
Variant type: single nucleotide variant.
Coding change: c.3955G>A on transcript NM_003737.4 (MANE Select); coding-DNA position 3955, G replaced by A.
Protein change: p.Glu1319Lys; replaces glutamic acid 1319 with lysine.
Molecular consequence: missense variant.
Genome position (GRCh38, 1-based): chr11:6,630,839, C>T on the plus strand (G>A on the coding strand, the complement: DCHS1 is on the minus strand). VCF-style: chr11-6630839-C-T. GRCh37 (hg19) VCF-style: chr11-6652070-C-T.
Other names: c.3955G>A (NM_003737.2); short protein forms E1319K.
Identifiers: ClinVar variation 1421880 (VCV001421880.7), dbSNP rs756975234, ClinGen allele CA5860391.
Genomic context (GRCh38, chr11:6,630,839, plus strand): 5'-CCGTCAGCACGACAGGCACTGGTGCCGCTGGGTCCCGCTCTGCGAGATCTGGGGGCGGCT[C>T]GGCCAAGCGAGCTGAGGGAAGCACCTGTTGTGGACCGGGGAGGGAGAACAGAATTGTGAG-3'
Protein context (NP_003728.1, residues 1309-1329): VQVLPSARLA[Glu1319Lys]PPPDLAERDP

ClinVar aggregate classification (germline): Uncertain significance. Review status: criteria provided, multiple submitters, no conflicts (2 of 4 stars). 2 submissions from 2 submitters: Uncertain significance (2). Last evaluated 2025-10-07.

Conditions:
Inborn genetic diseases. Identifiers: MedGen C0950123, MeSH D030342.

Allele frequency attached by ClinVar (database versions not stated): gnomAD 0.00003 and 0.00004; gnomAD exomes 0.00005; ExAC 0.00009.
gnomAD v4.1: 29 of 1,526,610 alleles (0.0019%); highest among the groups gnomAD compares: Admixed American, 0.027%; no homozygotes.

Submissions (2):

Labcorp Genetics (formerly Invitae), Labcorp
Classification: Uncertain significance. Last evaluated: 2025-10-07. Review status: criteria provided, single submitter. Criteria: Invitae Variant Classification Sherloc (09022015). Collection method: clinical testing. Allele origin: germline.
Comment: This sequence change replaces glutamic acid, which is acidic and polar, with lysine, which is basic and polar, at codon 1319 of the DCHS1 protein (p.Glu1319Lys). This variant is present in population databases (rs756975234, gnomAD 0.03%). This variant has not been reported in the literature in individuals affected with DCHS1-related conditions. ClinVar contains an entry for this variant (Variation ID: 1421880). Invitae Evidence Modeling of protein sequence and biophysical properties (such as structural, functional, and spatial information, amino acid conservation, physicochemical variation, residue mobility, and thermodynamic stability) indicates that this missense variant is expected to disrupt DCHS1 protein function with a positive predictive value of 80%. In summary, the available evidence is currently insufficient to determine the role of this variant in disease. Therefore, it has been classified as a Variant of Uncertain Significance.

Ambry Genetics
Classification: Uncertain significance for Inborn genetic diseases. Last evaluated: 2024-12-12. Review status: criteria provided, single submitter. Criteria: Ambry Variant Classification Scheme 2023. Collection method: clinical testing. Allele origin: germline.